The following is an entry in ClinVar:

NM_001605.3(AARS1):c.2153C>G (p.Thr718Ser)

Gene: AARS1 (alanyl-tRNA synthetase 1; minus strand). Cytogenetic location: 16q22.1.
Variant type: single nucleotide variant.
Coding change: c.2153C>G on transcript NM_001605.3 (MANE Select); coding-DNA position 2153, C replaced by G.
Protein change: p.Thr718Ser; replaces threonine 718 with serine.
Molecular consequence: missense variant.
Genome position (GRCh38, 1-based): chr16:70,258,057, G>C on the plus strand (C>G on the coding strand, the complement: AARS1 is on the minus strand). VCF-style: chr16-70258057-G-C. GRCh37 (hg19) VCF-style: chr16-70291960-G-C.
Other names: short protein forms T718S.
Identifiers: ClinVar variation 3666809 (VCV003666809.2).

ClinVar aggregate classification (germline): Uncertain significance (1 of 4 stars; one submission).

Conditions:
Charcot-Marie-Tooth disease type 2. Also called: Charcot-Marie-Tooth type 2. Identifiers: Orphanet 64746, MedGen C0270914, MONDO:0018993.

gnomAD v4.1: 25 of 1,614,142 alleles (0.0015%); highest among the groups gnomAD compares: Non-Finnish European, 0.002%; no homozygotes.

Submission:

Labcorp Genetics (formerly Invitae), Labcorp
Classification: Uncertain significance for Charcot-Marie-Tooth disease type 2. Last evaluated: 2025-12-16. Review status: criteria provided, single submitter. Criteria: Invitae Variant Classification Sherloc (09022015). Collection method: clinical testing. Allele origin: germline.
Comment: This sequence change replaces threonine, which is neutral and polar, with serine, which is neutral and polar, at codon 718 of the AARS protein (p.Thr718Ser). This variant is present in population databases (no rsID available, gnomAD 0.0009%). This variant has not been reported in the literature in individuals affected with AARS-related conditions. ClinVar contains an entry for this variant (Variation ID: 3666809). Invitae Evidence Modeling of protein sequence and biophysical properties (such as structural, functional, and spatial information, amino acid conservation, physicochemical variation, residue mobility, and thermodynamic stability) indicates that this missense variant is not expected to disrupt AARS protein function with a negative predictive value of 95%. In summary, the available evidence is currently insufficient to determine the role of this variant in disease. Therefore, it has been classified as a Variant of Uncertain Significance.